The following is an entry in ClinVar:

ClinVar aggregate classification (germline): Likely pathogenic (1 of 4 stars; one submission).

Conditions:
Hereditary nonpolyposis colon cancer (HNPCC). Also called: Hereditary nonpolyposis colorectal cancer; Familial nonpolyposis colon cancer; Hereditary Nonpolyposis Colorectal Cancer Syndrome. Identifiers: Orphanet 443909, MedGen C1333990, MONDO:0018630. Disease mechanism: loss of function.

Submission:

Department of Genetic and Genomic Medicine, National Cheng Kung University Hospital
Classification: Likely pathogenic for Hereditary nonpolyposis colorectal cancer. Last evaluated: 2024-09-01. Review status: criteria provided, single submitter. Criteria: ACMG Guidelines, 2015. Collection method: research. Allele origin: germline. Inheritance: Autosomal dominant inheritance. Affected: yes. Observed: 1 heterozygote.
Comment: Variant classification was performed using the VarSome platform. The variant is frameshift insertion. (PVS1) It also meet the criteria of PM2. Assertion score is 9 according to PMID:32720330.

Literature cited by the submitters: PubMed 32720330.

NM_000179.3(MSH6):c.3977_3978insAATC (p.Met1326fs)

Gene: MSH6 (mutS homolog 6; plus strand). Cytogenetic location: 2p16.3.
Variant type: Insertion.
Coding change: c.3977_3978insAATC on transcript NM_000179.3 (MANE Select); coding-DNA positions 3977 to 3978, AATC inserted.
Protein change: p.Met1326fs; shifts the reading frame from methionine 1326.
Molecular consequence: frameshift variant. On other transcripts: synonymous variant (1), non-coding transcript variant (5), intron variant (1).
Genome position: GRCh38 VCF-style: chr2-47806627-T-TAATC. GRCh37 (hg19) VCF-style: chr2-48033766-T-TAATC.
Other names: c.3587_3588insAATC, p.Met1196fs (NM_001281492.2); c.3071_3072insAATC, p.Met1024fs (NM_001281493.2, NM_001281494.2, NM_001406811.1 and 6 more transcripts); c.4073_4074insAATC, p.Met1358fs (NM_001406795.1); c.3977_3978insAATC, p.Met1326fs (NM_001406796.1, NM_001406808.1, NM_001406809.1); c.3680_3681insAATC, p.Met1227fs (NM_001406797.1, NM_001406801.1, NM_001406805.1 and 10 more transcripts); c.3803_3804insAATC, p.Met1268fs (NM_001406798.1); c.3452_3453insAATC, p.Met1151fs (NM_001406799.1, NM_001406806.1, NM_001406807.1); c.3964_3965insAATC, p.Ter1322= (NM_001406800.1); and 9 more; short protein forms M1024fs, M1038fs, M1151fs, M1196fs, M1227fs, M1268fs, M1270fs, M1300fs.
Identifiers: ClinVar variation 4072397 (VCV004072397.1).